The following is an entry in ClinVar:

NM_001735.3(C5):c.1000+1G>A

Gene: C5 (complement C5; minus strand). Cytogenetic location: 9q33.2.
Variant type: single nucleotide variant.
Coding change: c.1000+1G>A on transcript NM_001735.3 (MANE Select); the canonical splice donor site of the intron after coding-DNA position 1000, G replaced by A.
Molecular consequence: splice donor variant.
Genome position (GRCh38, 1-based): chr9:121,025,453, C>T on the plus strand (G>A on the coding strand, the complement: C5 is on the minus strand). VCF-style: chr9-121025453-C-T. GRCh37 (hg19) VCF-style: chr9-123787731-C-T.
Other names: c.1018+1G>A (NM_001317163.2); c.1000+1G>A (NM_001317164.2).
Identifiers: ClinVar variation 4708301 (VCV004708301.1).

ClinVar aggregate classification (germline): Likely pathogenic (1 of 4 stars; one submission).

Submission:

Labcorp Genetics (formerly Invitae), Labcorp
Classification: Likely pathogenic. Last evaluated: 2025-05-11. Review status: criteria provided, single submitter. Criteria: Invitae Variant Classification Sherloc (09022015). Collection method: clinical testing. Allele origin: germline.
Comment: This sequence change affects a donor splice site in intron 9 of the C5 gene. It is expected to disrupt RNA splicing. Variants that disrupt the donor or acceptor splice site typically lead to a loss of protein function (PMID: 16199547), and loss-of-function variants in C5 are known to be pathogenic (PMID: 7730648, 19414197, 27026170). This variant is not present in population databases (gnomAD no frequency). This variant has not been reported in the literature in individuals affected with C5-related conditions. Algorithms developed to predict the effect of sequence changes on RNA splicing suggest that this variant may disrupt the consensus splice site. In summary, the currently available evidence indicates that the variant is pathogenic, but additional data are needed to prove that conclusively. Therefore, this variant has been classified as Likely Pathogenic.

Literature cited by the submitters: PubMed 16199547; PubMed 7730648; PubMed 19414197; PubMed 27026170.